The following is an entry in ClinVar:

ClinVar aggregate classification (germline): Uncertain significance (1 of 4 stars; one submission).

gnomAD v4.1: 3 of 1,614,192 alleles (0.00019%); highest among the groups gnomAD compares: Non-Finnish European, 0.00025%; no homozygotes.

Submission:

Ambry Genetics
Classification: Uncertain significance. Last evaluated: 2022-02-06. Review status: criteria provided, single submitter. Criteria: Ambry Variant Classification Scheme 2023. Collection method: clinical testing. Allele origin: germline.
Comment: The p.S1386R variant (also known as c.4156A>C), located in coding exon 17 of the NPAT gene, results from an A to C substitution at nucleotide position 4156. The serine at codon 1386 is replaced by arginine, an amino acid with dissimilar properties. This amino acid position is conserved. In addition, this alteration is predicted to be tolerated by in silico analysis. Since supporting evidence is limited at this time, the clinical significance of this alteration remains unclear.

NM_002519.3(NPAT):c.4156A>C (p.Ser1386Arg)

Gene: NPAT (nuclear protein, coactivator of histone transcription; minus strand). Cytogenetic location: 11q22.3.
Variant type: single nucleotide variant.
Coding change: c.4156A>C on transcript NM_002519.3 (MANE Select); coding-DNA position 4156, A replaced by C.
Protein change: p.Ser1386Arg; replaces serine 1386 with arginine.
Molecular consequence: missense variant.
Genome position (GRCh38, 1-based): chr11:108,160,930, T>G on the plus strand (A>C on the coding strand, the complement: NPAT is on the minus strand). VCF-style: chr11-108160930-T-G. GRCh37 (hg19) VCF-style: chr11-108031657-T-G.
Other names: c.4177A>C, p.Ser1393Arg (NM_001321307.1); short protein forms S1393R, S1386R.
Identifiers: ClinVar variation 1738291 (VCV001738291.2), dbSNP rs180875716, ClinGen allele CA382509252.